The following is an entry in ClinVar:

ClinVar aggregate classification (germline): Likely benign (0 of 4 stars; one submission).

Conditions:
MEG3-related disorder. Also called: MEG3-related condition.

Allele frequency attached by ClinVar (database versions not stated): gnomAD exomes 0.00011; ExAC 0.00014; TOPMed 0.00066; gnomAD 0.00067; 1000 Genomes Project 30x 0.00078; 1000 Genomes Project 0.00100.
gnomAD v4.1: 136 of 456,532 alleles (0.03%); highest among the groups gnomAD compares: African/African-American, 0.23%; 1 homozygote.

Submission:

PreventionGenetics, part of Exact Sciences
Classification: Likely benign for MEG3-related condition. Last evaluated: 2023-07-28. Review status: no assertion criteria provided. Collection method: clinical testing. Allele origin: germline.
Comment: This variant is classified as likely benign based on ACMG/AMP sequence variant interpretation guidelines (Richards et al. 2015 PMID: 25741868, with internal and published modifications).

NR_046473.1(MEG3):n.1165G>A

Gene: MEG3 (maternally expressed 3; plus strand). Cytogenetic location: 14q32.2.
Variant type: single nucleotide variant.
Molecular consequence: non-coding transcript variant (on NR_002766.2).
Genome position: GRCh38 VCF-style: chr14-100836282-G-A. GRCh37 (hg19) VCF-style: chr14-101302619-G-A.
Identifiers: ClinVar variation 3042001 (VCV003042001.2), dbSNP rs143700364, ClinGen allele CA7346851.